The following is an entry in ClinVar:

ClinVar aggregate classification (germline): Uncertain significance. Review status: criteria provided, multiple submitters, no conflicts (2 of 4 stars). 2 submissions from 2 submitters: Uncertain significance (2). Last evaluated 2025-12-16.

Conditions:
Charcot-Marie-Tooth disease type 2. Also called: Charcot-Marie-Tooth type 2. Identifiers: Orphanet 64746, MedGen C0270914, MONDO:0018993.

Submissions (2):

Labcorp Genetics (formerly Invitae), Labcorp
Classification: Uncertain significance for Charcot-Marie-Tooth disease type 2. Last evaluated: 2025-12-16. Review status: criteria provided, single submitter. Criteria: Invitae Variant Classification Sherloc (09022015). Collection method: clinical testing. Allele origin: germline.
Comment: This sequence change replaces histidine, which is basic and polar, with tyrosine, which is neutral and polar, at codon 1154 of the KIF1B protein (p.His1154Tyr). This variant is not present in population databases (gnomAD no frequency). This variant has not been reported in the literature in individuals affected with KIF1B-related conditions. ClinVar contains an entry for this variant (Variation ID: 1731640). An algorithm developed to predict the effect of missense changes on protein structure and function (PolyPhen-2) suggests that this variant is likely to be tolerated. In summary, the available evidence is currently insufficient to determine the role of this variant in disease. Therefore, it has been classified as a Variant of Uncertain Significance.

Ambry Genetics
Classification: Uncertain significance. Last evaluated: 2022-01-10. Review status: criteria provided, single submitter. Criteria: Ambry Variant Classification Scheme 2023. Collection method: clinical testing. Allele origin: germline.
Comment: The p.H1154Y variant (also known as c.3460C>T), located in coding exon 30 of the KIF1B gene, results from a C to T substitution at nucleotide position 3460. The histidine at codon 1154 is replaced by tyrosine, an amino acid with similar properties. This amino acid position is conserved. In addition, the in silico prediction for this alteration is inconclusive. Since supporting evidence is limited at this time, the clinical significance of this alteration remains unclear.

NM_001365951.3(KIF1B):c.3598C>T (p.His1200Tyr)

Gene: KIF1B (kinesin family member 1B; plus strand). Cytogenetic location: 1p36.22.
Variant type: single nucleotide variant.
Coding change: c.3598C>T on transcript NM_001365951.3 (MANE Select); coding-DNA position 3598, C replaced by T.
Protein change: p.His1200Tyr; replaces histidine 1200 with tyrosine.
Molecular consequence: missense variant.
Genome position (GRCh38, 1-based): chr1:10,342,134, C>T. VCF-style: chr1-10342134-C-T. GRCh37 (hg19) VCF-style: chr1-10402192-C-T.
Other names: c.3598C>T, p.His1200Tyr (NM_001365952.1); c.3460C>T, p.His1154Tyr (NM_015074.3); short protein forms H1154Y, H1200Y.
Identifiers: ClinVar variation 1731640 (VCV001731640.3), dbSNP rs2521752550, ClinGen allele CA338341870.